The following is an entry in ClinVar:

ClinVar aggregate classification (germline): Uncertain significance (1 of 4 stars; one submission).

Submission:

Labcorp Genetics (formerly Invitae), Labcorp
Classification: Uncertain significance. Last evaluated: 2022-02-27. Review status: criteria provided, single submitter. Criteria: Invitae Variant Classification Sherloc (09022015). Collection method: clinical testing. Allele origin: germline.
Comment: In summary, the available evidence is currently insufficient to determine the role of this variant in disease. Therefore, it has been classified as a Variant of Uncertain Significance. Advanced modeling of protein sequence and biophysical properties (such as structural, functional, and spatial information, amino acid conservation, physicochemical variation, residue mobility, and thermodynamic stability) performed at Invitae indicates that this missense variant is expected to disrupt MTOR protein function. ClinVar contains an entry for this variant (Variation ID: 959997). This variant has not been reported in the literature in individuals affected with MTOR-related conditions. This variant is not present in population databases (gnomAD no frequency). This sequence change replaces arginine, which is basic and polar, with cysteine, which is neutral and slightly polar, at codon 2193 of the MTOR protein (p.Arg2193Cys).

NM_004958.4(MTOR):c.6577C>T (p.Arg2193Cys)

Gene: MTOR (mechanistic target of rapamycin kinase; minus strand). Cytogenetic location: 1p36.22.
Variant type: single nucleotide variant.
Coding change: c.6577C>T on transcript NM_004958.4 (MANE Select); coding-DNA position 6577, C replaced by T.
Protein change: p.Arg2193Cys; replaces arginine 2193 with cysteine.
Molecular consequence: missense variant.
Genome position (GRCh38, 1-based): chr1:11,124,583, G>A on the plus strand (C>T on the coding strand, the complement: MTOR is on the minus strand). VCF-style: chr1-11124583-G-A. GRCh37 (hg19) VCF-style: chr1-11184640-G-A.
Other names: short protein forms R2193C.
Identifiers: ClinVar variation 959997 (VCV000959997.9), dbSNP rs1642723200, ClinGen allele CA338387795.
Genomic context (GRCh38, chr1:11,124,583, plus strand): 5'-GGTCATTGGCCAGAAGGGTGTTAACCAGGCCGAAGAGCTGCATCACACGCTCATCCTGGC[G>A]CAGATCTTCATGGCCTTTTAGAAGGAAAACAAACTCATGTCCGTTGCTGCCTGTAAGGAA-3'
Protein context (NP_004949.1, residues 2183-2203): VFLLKGHEDL[Arg2193Cys]QDERVMQLFG